The following is an entry in ClinVar:

ClinVar aggregate classification (germline): Uncertain significance. Review status: criteria provided, multiple submitters, no conflicts (2 of 4 stars). 2 submissions from 2 submitters: Uncertain significance (2). Last evaluated 2026-09-05.

Conditions:
Fanconi anemia (FA). Also called: Fanconi's anemia. Identifiers: Orphanet 84, MedGen C0015625, MeSH D005199, MONDO:0019391.
Inborn genetic diseases. Identifiers: MedGen C0950123, MeSH D030342.

Submissions (2):

Ambry Genetics
Classification: Uncertain significance for Inborn genetic diseases. Last evaluated: 2026-09-05. Review status: criteria provided, single submitter. Criteria: Ambry Variant Classification Scheme 2023. Collection method: clinical testing. Allele origin: germline.
Comment: The p.S1869P variant (also known as c.5605T>C), located in coding exon 21 of the FANCM gene, results from a T to C substitution at nucleotide position 5605. The serine at codon 1869 is replaced by proline, an amino acid with similar properties. This amino acid position is conserved. In addition, the in silico prediction for this alteration is inconclusive. Based on the available evidence, the clinical significance of this variant remains unclear.

Labcorp Genetics (formerly Invitae), Labcorp
Classification: Uncertain significance for Fanconi anemia. Last evaluated: 2019-12-21. Review status: criteria provided, single submitter. Criteria: Invitae Variant Classification Sherloc (09022015). Collection method: clinical testing. Allele origin: germline.
Comment: This sequence change replaces serine with proline at codon 1869 of the FANCM protein (p.Ser1869Pro). The serine residue is highly conserved and there is a moderate physicochemical difference between serine and proline. This variant is not present in population databases (ExAC no frequency). This variant has not been reported in the literature in individuals with FANCM-related conditions. Algorithms developed to predict the effect of missense changes on protein structure and function are either unavailable or do not agree on the potential impact of this missense change (SIFT: "Deleterious"; PolyPhen-2: "Probably Damaging"; Align-GVGD: "Class C0"). In summary, the available evidence is currently insufficient to determine the role of this variant in disease. Therefore, it has been classified as a Variant of Uncertain Significance.

NM_020937.4(FANCM):c.5605T>C (p.Ser1869Pro)

Gene: FANCM (FA complementation group M; plus strand). Cytogenetic location: 14q21.2.
Variant type: single nucleotide variant.
Coding change: c.5605T>C on transcript NM_020937.4 (MANE Select); coding-DNA position 5605, T replaced by C.
Protein change: p.Ser1869Pro; replaces serine 1869 with proline.
Molecular consequence: missense variant.
Genome position (GRCh38, 1-based): chr14:45,196,436, T>C. VCF-style: chr14-45196436-T-C. GRCh37 (hg19) VCF-style: chr14-45665639-T-C.
Other names: c.5527T>C, p.Ser1843Pro (NM_001308133.2); short protein forms S1843P, S1869P.
Identifiers: ClinVar variation 844781 (VCV000844781.10), dbSNP rs1890063101, ClinGen allele CA389586225.